The following is an entry in ClinVar:

NM_003922.4(HERC1):c.10946G>T (p.Ser3649Ile)

Gene: HERC1 (HECT and RLD domain containing E3 ubiquitin protein ligase family member 1; minus strand). Cytogenetic location: 15q22.31.
Variant type: single nucleotide variant.
Coding change: c.10946G>T on transcript NM_003922.4 (MANE Select); coding-DNA position 10946, G replaced by T.
Protein change: p.Ser3649Ile; replaces serine 3649 with isoleucine.
Molecular consequence: missense variant.
Genome position (GRCh38, 1-based): chr15:63,645,615, C>A on the plus strand (G>T on the coding strand, the complement: HERC1 is on the minus strand). VCF-style: chr15-63645615-C-A. GRCh37 (hg19) VCF-style: chr15-63937814-C-A.
Other names: short protein forms S3649I.
Identifiers: ClinVar variation 2074494 (VCV002074494.4), dbSNP rs1290690194, ClinGen allele CA392750708.
Genomic context (GRCh38, chr15:63,645,615, plus strand): 5'-GGATGGCAGAGTGAATGTAGACAGCACCAGCATCCCGAAATAGAGCCCCAGAGTTTCACA[C>A]TGTCTTCTTTGGCACATGTCATAAGAATATGACCTGTAGGGTCCCACTTCATGCTAATAA-3'
Protein context (NP_003913.3, residues 3639-3659): HILMTCAKED[Ser3649Ile]VKLWGSISGC

ClinVar aggregate classification (germline): Uncertain significance (1 of 4 stars; one submission).

Allele frequency attached by ClinVar (database versions not stated): gnomAD exomes below 0.00001.
gnomAD v4.1: 1 of 1,612,390 alleles (0.000062%); highest among the groups gnomAD compares: Admixed American, 0.0017%; no homozygotes.

Submission:

Labcorp Genetics (formerly Invitae), Labcorp
Classification: Uncertain significance. Last evaluated: 2023-08-10. Review status: criteria provided, single submitter. Criteria: Invitae Variant Classification Sherloc (09022015). Collection method: clinical testing. Allele origin: germline.
Comment: This sequence change replaces serine, which is neutral and polar, with isoleucine, which is neutral and non-polar, at codon 3649 of the HERC1 protein (p.Ser3649Ile). The frequency data for this variant in the population databases is considered unreliable, as metrics indicate poor data quality at this position in the gnomAD database. This variant has not been reported in the literature in individuals affected with HERC1-related conditions. ClinVar contains an entry for this variant (Variation ID: 2074494). Advanced modeling of protein sequence and biophysical properties (such as structural, functional, and spatial information, amino acid conservation, physicochemical variation, residue mobility, and thermodynamic stability) performed at Invitae indicates that this missense variant is not expected to disrupt HERC1 protein function. In summary, the available evidence is currently insufficient to determine the role of this variant in disease. Therefore, it has been classified as a Variant of Uncertain Significance.